The following is an entry in ClinVar:

NM_007294.4(BRCA1):c.1343A>C (p.His448Pro)

Gene: BRCA1 (BRCA1 DNA repair associated; minus strand). Cytogenetic location: 17q21.31.
Variant type: single nucleotide variant.
Coding change: c.1343A>C on transcript NM_007294.4 (MANE Select); coding-DNA position 1343, A replaced by C.
Protein change: p.His448Pro; replaces histidine 448 with proline.
Molecular consequence: missense variant. On other transcripts: intron variant (137).
Genome position (GRCh38, 1-based): chr17:43,094,188, T>G on the plus strand (A>C on the coding strand, the complement: BRCA1 is on the minus strand). VCF-style: chr17-43094188-T-G. GRCh37 (hg19) VCF-style: chr17-41246205-T-G.
Other names: c.646+556A>C (NM_001408410.1, NM_001408458.1, NM_001408469.1 and 11 more transcripts); c.709+556A>C (NM_001408415.1, NM_001408412.1, NM_001408409.1 and 2 more transcripts); c.577+556A>C (NM_001408483.1, NM_001408481.1, NM_001408480.1 and 9 more transcripts); c.664+556A>C (NM_001408442.1, NM_001408426.1, NM_001408436.1 and 12 more transcripts); c.787+556A>C (NM_001407982.1, NM_001407970.1, NM_001407980.1 and 19 more transcripts); c.1340A>C, p.His447Pro (NM_001407614.1, NM_001407615.1, NM_001407627.1 and 22 more transcripts); c.1343A>C, p.His448Pro (NM_001407616.1, NM_001407617.1, NM_001407618.1 and 30 more transcripts); c.1334A>C, p.His445Pro (NM_001407646.1, NM_001407647.1); and 40 more; short protein forms H448P, H401P, H152P, H337P, H360P, H407P, H421P, H447P.
Identifiers: ClinVar variation 658241 (VCV000658241.12), dbSNP rs1597876676, ClinGen allele CA10599365.

ClinVar aggregate classification (germline): Conflicting classifications of pathogenicity. Review status: criteria provided, conflicting classifications (1 of 4 stars). 2 submissions from 2 submitters: Uncertain significance (1); Likely benign (1). Last evaluated 2023-03-23.

Conditions:
Hereditary cancer-predisposing syndrome. Also called: Hereditary neoplastic syndrome; Neoplastic Syndromes, Hereditary; Hereditary Cancer Syndrome; Tumor predisposition. Identifiers: Orphanet 140162, MedGen C0027672, MeSH D009386, MONDO:0015356.
Hereditary breast ovarian cancer syndrome. Also called: BRCA1- and BRCA2-Associated Hereditary Breast and Ovarian Cancer; Hereditary breast and ovarian cancer syndrome; Hereditary breast and ovarian cancer syndrome (HBOC); Hereditary breast and/or ovarian cancer syndrome; Breast and ovarian cancer; Hereditary breast and ovarian cancer. Identifiers: Orphanet 145, MedGen C0677776, MeSH D061325, MONDO:0003582. Disease mechanism: loss of function.

Submissions (2):

University of Washington Department of Laboratory Medicine, University of Washington
Classification: Likely benign for Hereditary cancer-predisposing syndrome. Last evaluated: 2023-03-23. Review status: criteria provided, single submitter. Criteria: Dines et al. (Genet Med. 2020). Collection method: curation. Allele origin: germline.
Comment: Missense variant in a coldspot region where missense variants are very unlikely to be pathogenic (PMID:31911673).

BRCA1 coldspot (exon 11 using historical exon numbering). Reclassification based on statistical prior probability

Labcorp Genetics (formerly Invitae), Labcorp
Classification: Uncertain significance for Hereditary breast ovarian cancer syndrome. Last evaluated: 2018-07-20. Review status: criteria provided, single submitter. Criteria: Invitae Variant Classification Sherloc (09022015). Collection method: clinical testing. Allele origin: germline.
Comment: In summary, the available evidence is currently insufficient to determine the role of this variant in disease. Therefore, it has been classified as a Variant of Uncertain Significance. Algorithms developed to predict the effect of missense changes on protein structure and function (SIFT, PolyPhen-2, Align-GVGD) all suggest that this variant is likely to be tolerated, but these predictions have not been confirmed by published functional studies and their clinical significance is uncertain. This variant has not been reported in the literature in individuals with BRCA1-related disease. This variant is not present in population databases (ExAC no frequency). This sequence change replaces histidine with proline at codon 448 of the BRCA1 protein (p.His448Pro). The histidine residue is moderately conserved and there is a moderate physicochemical difference between histidine and proline.